The following is an entry in ClinVar:

ClinVar aggregate classification (germline): Uncertain significance (1 of 4 stars; one submission).

Submission:

GeneDx
Classification: Uncertain significance. Last evaluated: 2019-07-22. Review status: criteria provided, single submitter. Criteria: GeneDx Variant Classification Process June 2021. Collection method: clinical testing. Allele origin: germline. Affected: yes.
Comment: Not observed in large population cohorts (Lek et al., 2016); The majority of missense variants in this gene are considered pathogenic [(Stenson et al., 2014; other references)]; Has not been previously published as pathogenic or benign to our knowledge; This variant is associated with the following publications: (PMID: 33144682)

NM_130839.5(UBE3A):c.91G>A (p.Glu31Lys)

Genes: SNHG14 (small nucleolar RNA host gene 14; plus strand), UBE3A (ubiquitin protein ligase E3A; minus strand). Cytogenetic location: 15q11.2.
Variant type: single nucleotide variant.
Coding change: c.91G>A on transcript NM_130839.5 (MANE Select); coding-DNA position 91, G replaced by A.
Protein change: p.Glu31Lys; replaces glutamic acid 31 with lysine.
Molecular consequence: missense variant. On other transcripts: 5 prime UTR variant (1), non-coding transcript variant (1).
Genome position (GRCh38, 1-based): chr15:25,375,735, C>T on the plus strand (G>A on the coding strand, the complement: UBE3A is on the minus strand). VCF-style: chr15-25375735-C-T. GRCh37 (hg19) VCF-style: chr15-25620882-C-T.
Other names: c.100G>A, p.Glu34Lys (NM_000462.5); c.91G>A, p.Glu31Lys (NM_001354505.1, NM_001354538.2, NM_001354545.2 and 1 more transcripts); c.31G>A, p.Glu11Lys (NM_001354506.2, NM_001354507.2, NM_001354508.2 and 18 more transcripts); c.-87G>A (NM_001354546.2); short protein forms E11K, E31K, E34K.
Identifiers: ClinVar variation 1303983 (VCV001303983.2), dbSNP rs2152848642, ClinGen allele CA391356664.